The following is an entry in ClinVar:

NM_005068.3(SIM1):c.1324C>A (p.Arg442Ser)

Genes: SIM1-AS1 (SIM1 antisense RNA 1; plus strand), SIM1 (SIM bHLH transcription factor 1; minus strand). Cytogenetic location: 6q16.3.
Variant type: single nucleotide variant.
Coding change: c.1324C>A on transcript NM_005068.3 (MANE Select); coding-DNA position 1324, C replaced by A.
Protein change: p.Arg442Ser; replaces arginine 442 with serine.
Molecular consequence: missense variant. On other transcripts: non-coding transcript variant (1).
Genome position (GRCh38, 1-based): chr6:100,393,733, G>T on the plus strand (C>A on the coding strand, the complement: SIM1 is on the minus strand). VCF-style: chr6-100393733-G-T. GRCh37 (hg19) VCF-style: chr6-100841609-G-T.
Other names: c.1324C>A, p.Arg442Ser (NM_001374769.1); short protein forms R442S.
Identifiers: ClinVar variation 4770305 (VCV004770305.1).
Genomic context (GRCh38, chr6:100,393,733, plus strand): 5'-AATGCCTCTCTTCCACCAGCCTCGAGTGGTCAAGCGCAAAGCCATAGCAGAGAGAGCTGC[G>T]GTCCGAAAACTGTCTGTAGGCGCACGATGCGTCGTGCTGGGAGCCAGGCCTATCGGCGGG-3'
Protein context (NP_005059.2, residues 432-452): ASCAYRQFSD[Arg442Ser]SSLCYGFALD

ClinVar aggregate classification (germline): Uncertain significance (1 of 4 stars; one submission).

Submission:

Labcorp Genetics (formerly Invitae), Labcorp
Classification: Uncertain significance. Last evaluated: 2025-11-19. Review status: criteria provided, single submitter. Criteria: Invitae Variant Classification Sherloc (09022015). Collection method: clinical testing. Allele origin: germline.
Comment: This sequence change replaces arginine, which is basic and polar, with serine, which is neutral and polar, at codon 442 of the SIM1 protein (p.Arg442Ser). This variant is not present in population databases (gnomAD no frequency). This variant has not been reported in the literature in individuals affected with SIM1-related conditions. An algorithm developed to predict the effect of missense changes on protein structure and function (PolyPhen-2) suggests that this variant is likely to be tolerated. In summary, the available evidence is currently insufficient to determine the role of this variant in disease. Therefore, it has been classified as a Variant of Uncertain Significance.